The following is an entry in ClinVar:

ClinVar aggregate classification (germline): Uncertain significance. Review status: criteria provided, single submitter (1 of 4 stars). 3 submissions from 3 submitters: Uncertain significance (1). 2 of the submissions do not count toward it. Last evaluated 2025-05-20.

Conditions:
Inborn genetic diseases. Identifiers: MedGen C0950123, MeSH D030342.
VPS13B-related disorder. Also called: VPS13B-related condition.
Cohen syndrome (COH1). Also called: PEPPER SYNDROME; Cutis verticis gyrata, retinitis pigmentosa, and sensorineural deafness. Identifiers: Orphanet 193, MedGen C0265223, MONDO:0008999, OMIM 216550.

Allele frequency attached by ClinVar (database versions not stated): gnomAD exomes below 0.00001 and 0.00001; gnomAD 0.00001; TOPMed 0.00001.
gnomAD v4.1: 14 of 1,613,992 alleles (0.00087%); highest among the groups gnomAD compares: African/African-American, 0.0013%; no homozygotes.

Submissions (3):

Ambry Genetics
Classification: Uncertain significance for Inborn genetic diseases. Last evaluated: 2025-05-20. Review status: criteria provided, single submitter. Criteria: Ambry Variant Classification Scheme 2023. Collection method: clinical testing. Allele origin: germline.

PreventionGenetics, part of Exact Sciences
Classification: Uncertain significance for VPS13B-related condition. Last evaluated: 2024-07-26. Review status: no assertion criteria provided. Collection method: clinical testing. Allele origin: germline. Not counted in ClinVar's aggregate classification.
Comment: The VPS13B c.8248A>G variant is predicted to result in the amino acid substitution p.Ile2750Val. To our knowledge, this variant has not been reported in the literature. This variant is reported in 0.00088% of alleles in individuals of European (Non-Finnish) descent in gnomAD. At this time, the clinical significance of this variant is uncertain due to the absence of conclusive functional and genetic evidence.

Natera, Inc.
Classification: Uncertain significance for Cohen syndrome. Last evaluated: 2020-09-21. Review status: no assertion criteria provided. Collection method: clinical testing. Allele origin: germline. Not counted in ClinVar's aggregate classification.

NM_152564.5(VPS13B):c.8248A>G (p.Ile2750Val)

Gene: VPS13B (vacuolar protein sorting 13 homolog B; plus strand). Cytogenetic location: 8q22.2.
Variant type: single nucleotide variant.
Coding change: c.8248A>G on transcript NM_152564.5 (MANE Select); coding-DNA position 8248, A replaced by G.
Protein change: p.Ile2750Val; replaces isoleucine 2750 with valine.
Molecular consequence: missense variant.
Genome position (GRCh38, 1-based): chr8:99,817,690, A>G. VCF-style: chr8-99817690-A-G. GRCh37 (hg19) VCF-style: chr8-100829918-A-G.
Other names: c.8248A>G (NM_152564.4); c.8323A>G, p.Ile2775Val (NM_017890.5); short protein forms I2750V, I2775V.
Identifiers: ClinVar variation 588937 (VCV000588937.8), dbSNP rs1465869942, ClinGen allele CA371772971.